The following is an entry in ClinVar:

NM_032608.7(MYO18B):c.6908T>C (p.Leu2303Pro)

Gene: MYO18B (myosin XVIIIB; plus strand). Cytogenetic location: 22q12.1.
Variant type: single nucleotide variant.
Coding change: c.6908T>C on transcript NM_032608.7 (MANE Select); coding-DNA position 6908, T replaced by C.
Protein change: p.Leu2303Pro; replaces leucine 2303 with proline.
Molecular consequence: missense variant.
Genome position (GRCh38, 1-based): chr22:26,026,882, T>C. VCF-style: chr22-26026882-T-C. GRCh37 (hg19) VCF-style: chr22-26422848-T-C.
Other names: c.6911T>C, p.Leu2304Pro (NM_001318245.2); c.6908T>C (NM_032608.5); short protein forms L2304P, L2303P.
Identifiers: ClinVar variation 1430029 (VCV001430029.6), dbSNP rs370124985, ClinGen allele CA10161644.

ClinVar aggregate classification (germline): Uncertain significance. Review status: criteria provided, multiple submitters, no conflicts (2 of 4 stars). 2 submissions from 2 submitters: Uncertain significance (2). Last evaluated 2022-11-18.

Conditions:
Inborn genetic diseases. Identifiers: MedGen C0950123, MeSH D030342.

Allele frequency attached by ClinVar (database versions not stated): gnomAD exomes 0.00003 and 0.00010; ExAC 0.00004; TOPMed 0.00005; gnomAD 0.00007; ESP Exome Variant Server 0.00008.
gnomAD v4.1: 150 of 1,600,972 alleles (0.0094%); highest among the groups gnomAD compares: Non-Finnish European, 0.013%; no homozygotes.

Submissions (2):

Ambry Genetics
Classification: Uncertain significance for Inborn genetic diseases. Last evaluated: 2022-11-18. Review status: criteria provided, single submitter. Criteria: Ambry Variant Classification Scheme 2023. Collection method: clinical testing. Allele origin: germline.

Labcorp Genetics (formerly Invitae), Labcorp
Classification: Uncertain significance. Last evaluated: 2022-07-06. Review status: criteria provided, single submitter. Criteria: Invitae Variant Classification Sherloc (09022015). Collection method: clinical testing. Allele origin: germline.
Comment: This sequence change replaces leucine, which is neutral and non-polar, with proline, which is neutral and non-polar, at codon 2303 of the MYO18B protein (p.Leu2303Pro). This variant is present in population databases (rs370124985, gnomAD 0.006%). This variant has not been reported in the literature in individuals affected with MYO18B-related conditions. ClinVar contains an entry for this variant (Variation ID: 1430029). Algorithms developed to predict the effect of missense changes on protein structure and function output the following: SIFT: "Not Available"; PolyPhen-2: "Benign"; Align-GVGD: "Not Available". The proline amino acid residue is found in multiple mammalian species, which suggests that this missense change does not adversely affect protein function. In summary, the available evidence is currently insufficient to determine the role of this variant in disease. Therefore, it has been classified as a Variant of Uncertain Significance.